The following is an entry in ClinVar:

NM_004104.5(FASN):c.1427A>G (p.Glu476Gly)

Gene: FASN (fatty acid synthase; minus strand). Cytogenetic location: 17q25.3.
Variant type: single nucleotide variant.
Coding change: c.1427A>G on transcript NM_004104.5 (MANE Select); coding-DNA position 1427, A replaced by G.
Protein change: p.Glu476Gly; replaces glutamic acid 476 with glycine.
Molecular consequence: missense variant.
Genome position (GRCh38, 1-based): chr17:82,091,287, T>C on the plus strand (A>G on the coding strand, the complement: FASN is on the minus strand). VCF-style: chr17-82091287-T-C. GRCh37 (hg19) VCF-style: chr17-80049163-T-C.
Other names: c.1427A>G (NM_004104.4); short protein forms E476G.
Identifiers: ClinVar variation 1004825 (VCV001004825.10), dbSNP rs773614310, ClinGen allele CA8853171.

ClinVar aggregate classification (germline): Uncertain significance. Review status: criteria provided, multiple submitters, no conflicts (2 of 4 stars). 2 submissions from 2 submitters: Uncertain significance (2). Last evaluated 2025-05-26.

Conditions:
Epileptic encephalopathy. Identifiers: MedGen C0543888, HP:0200134.

Allele frequency attached by ClinVar (database versions not stated): gnomAD exomes 0.00001 and 0.00003; ExAC 0.00002; gnomAD 0.00010 and 0.00011; TOPMed 0.00016.
gnomAD v4.1: 31 of 1,608,692 alleles (0.0019%); highest among the groups gnomAD compares: Admixed American, 0.02%; no homozygotes.

Submissions (2):

Labcorp Genetics (formerly Invitae), Labcorp
Classification: Uncertain significance for Epileptic encephalopathy. Last evaluated: 2025-05-26. Review status: criteria provided, single submitter. Criteria: Invitae Variant Classification Sherloc (09022015). Collection method: clinical testing. Allele origin: germline.
Comment: This sequence change replaces glutamic acid, which is acidic and polar, with glycine, which is neutral and non-polar, at codon 476 of the FASN protein (p.Glu476Gly). This variant is present in population databases (rs773614310, gnomAD 0.03%). This variant has not been reported in the literature in individuals affected with FASN-related conditions. ClinVar contains an entry for this variant (Variation ID: 1004825). An algorithm developed to predict the effect of missense changes on protein structure and function (PolyPhen-2) suggests that this variant is likely to be tolerated. In summary, the available evidence is currently insufficient to determine the role of this variant in disease. Therefore, it has been classified as a Variant of Uncertain Significance.

Ambry Genetics
Classification: Uncertain significance. Last evaluated: 2024-07-22. Review status: criteria provided, single submitter. Criteria: Ambry Variant Classification Scheme 2023. Collection method: clinical testing. Allele origin: germline.